The following is an entry in ClinVar:

NM_001384732.1(CPLANE1):c.5924C>T (p.Pro1975Leu)

Gene: CPLANE1 (ciliogenesis and planar polarity effector complex subunit 1; minus strand). Cytogenetic location: 5p13.2.
Variant type: single nucleotide variant.
Coding change: c.5924C>T on transcript NM_001384732.1 (MANE Select); coding-DNA position 5924, C replaced by T.
Protein change: p.Pro1975Leu; replaces proline 1975 with leucine.
Molecular consequence: missense variant.
Genome position (GRCh38, 1-based): chr5:37,175,963, G>A on the plus strand (C>T on the coding strand, the complement: CPLANE1 is on the minus strand). VCF-style: chr5-37175963-G-A. GRCh37 (hg19) VCF-style: chr5-37176065-G-A.
Other names: c.5924C>T, p.Pro1975Leu (NM_023073.4); short protein forms P1975L.
Identifiers: ClinVar variation 2918315 (VCV002918315.3), dbSNP rs1781055483, ClinGen allele CA359486632.

ClinVar aggregate classification (germline): Uncertain significance (1 of 4 stars; one submission).

gnomAD v4.1: 1 of 1,612,980 alleles (0.000062%); no homozygotes.

Submission:

Labcorp Genetics (formerly Invitae), Labcorp
Classification: Uncertain significance. Last evaluated: 2023-04-24. Review status: criteria provided, single submitter. Criteria: Invitae Variant Classification Sherloc (09022015). Collection method: clinical testing. Allele origin: germline.
Comment: Advanced modeling of protein sequence and biophysical properties (such as structural, functional, and spatial information, amino acid conservation, physicochemical variation, residue mobility, and thermodynamic stability) performed at Invitae indicates that this missense variant is not expected to disrupt CPLANE1 protein function. In summary, the available evidence is currently insufficient to determine the role of this variant in disease. Therefore, it has been classified as a Variant of Uncertain Significance. This variant has not been reported in the literature in individuals affected with CPLANE1-related conditions. This variant is not present in population databases (gnomAD no frequency). This sequence change replaces proline, which is neutral and non-polar, with leucine, which is neutral and non-polar, at codon 1975 of the CPLANE1 protein (p.Pro1975Leu).